The following is an entry in ClinVar:

ClinVar aggregate classification (germline): Uncertain significance. Review status: criteria provided, multiple submitters, no conflicts (2 of 4 stars). 2 submissions from 2 submitters: Uncertain significance (2). Last evaluated 2025-12-10.

Conditions:
Hereditary cancer-predisposing syndrome. Also called: Tumor predisposition; Hereditary neoplastic syndrome; Neoplastic Syndromes, Hereditary; Hereditary Cancer Syndrome. Identifiers: Orphanet 140162, MedGen C0027672, MeSH D009386, MONDO:0015356.

Allele frequency attached by ClinVar (database versions not stated): ExAC 0.00001.
gnomAD v4.1: 3 of 1,614,216 alleles (0.00019%); highest among the groups gnomAD compares: Non-Finnish European, 0.00017%; no homozygotes.

Submissions (2):

Labcorp Genetics (formerly Invitae), Labcorp
Classification: Uncertain significance. Last evaluated: 2025-12-10. Review status: criteria provided, single submitter. Criteria: Invitae Variant Classification Sherloc (09022015). Collection method: clinical testing. Allele origin: germline.
Comment: This sequence change replaces alanine, which is neutral and non-polar, with valine, which is neutral and non-polar, at codon 128 of the HOXB13 protein (p.Ala128Val). This variant is present in population databases (rs775273363, gnomAD 0.0009%). This variant has not been reported in the literature in individuals affected with HOXB13-related conditions. ClinVar contains an entry for this variant (Variation ID: 1009541). Invitae Evidence Modeling of protein sequence and biophysical properties (such as structural, functional, and spatial information, amino acid conservation, physicochemical variation, residue mobility, and thermodynamic stability) indicates that this missense variant is not expected to disrupt HOXB13 protein function with a negative predictive value of 80%. In summary, the available evidence is currently insufficient to determine the role of this variant in disease. Therefore, it has been classified as a Variant of Uncertain Significance.

Ambry Genetics
Classification: Uncertain significance for Hereditary cancer-predisposing syndrome. Last evaluated: 2024-12-12. Review status: criteria provided, single submitter. Criteria: Ambry Variant Classification Scheme 2023. Collection method: clinical testing. Allele origin: germline.
Comment: The p.A128V variant (also known as c.383C>T), located in coding exon 1 of the HOXB13 gene, results from a C to T substitution at nucleotide position 383. The alanine at codon 128 is replaced by valine, an amino acid with similar properties. This amino acid position is highly conserved in available vertebrate species. In addition, this alteration is predicted to be deleterious by in silico analysis. Based on the available evidence, the clinical significance of this variant remains unclear.

NM_006361.6(HOXB13):c.383C>T (p.Ala128Val)

Gene: HOXB13 (homeobox B13; minus strand). Cytogenetic location: 17q21.32.
Variant type: single nucleotide variant.
Coding change: c.383C>T on transcript NM_006361.6 (MANE Select); coding-DNA position 383, C replaced by T.
Protein change: p.Ala128Val; replaces alanine 128 with valine.
Molecular consequence: missense variant.
Genome position (GRCh38, 1-based): chr17:48,728,211, G>A on the plus strand (C>T on the coding strand, the complement: HOXB13 is on the minus strand). VCF-style: chr17-48728211-G-A. GRCh37 (hg19) VCF-style: chr17-46805573-G-A.
Other names: c.383C>T (NM_006361.5); short protein forms A128V.
Identifiers: ClinVar variation 1009541 (VCV001009541.9), dbSNP rs775273363, ClinGen allele CA8633995.